The following is an entry in ClinVar:

NM_000278.5(PAX2):c.809_812del (p.Leu270fs)

Gene: PAX2 (paired box 2; plus strand). Cytogenetic location: 10q24.31.
Variant type: Microsatellite.
Coding change: c.809_812del on transcript NM_000278.5 (MANE Select); coding-DNA positions 809 to 812, 4 bases deleted (TCCC; older notation c.809_812delTCCC).
Protein change: p.Leu270fs; shifts the reading frame from leucine 270.
Molecular consequence: frameshift variant.
Genome position (GRCh38, 1-based): chr10:100,809,126-100,809,129, TCCC deleted; deleting any 4 consecutive bases within chr10:100,809,121-100,809,129 gives the same sequence; the c. name uses the placement nearest the transcript's 3' end. VCF-style (leftmost placement, unchanged base first): chr10-100809120-ACTCC-A. GRCh37 (hg19) VCF-style: chr10-102568877-ACTCC-A.
Other names: c.902_905del, p.Leu301fs (NM_001304569.2); c.878_881del, p.Leu293fs (NM_003987.5, NM_003990.5); c.809_812del, p.Leu270fs (NM_003988.5, NM_003989.5); short protein forms L270fs, L293fs, L301fs.
Identifiers: ClinVar variation 4784500 (VCV004784500.1).

ClinVar aggregate classification (germline): Pathogenic (1 of 4 stars; one submission).

Conditions:
Focal segmental glomerulosclerosis 7 (FSGS7). Identifiers: Orphanet 656, MedGen C4014925, MONDO:0014451, OMIM 616002.
Renal coloboma syndrome (PAPRS). Also called: PAPILLORENAL SYNDROME; COLOBOMA OF OPTIC NERVE WITH RENAL DISEASE; OPTIC COLOBOMA, VESICOURETERAL REFLUX, AND RENAL ANOMALIES; OPTIC NERVE COLOBOMA WITH RENAL DISEASE; RENAL-COLOBOMA SYNDROME WITH MACULAR ABNORMALITIES; PAPILLORENAL SYNDROME WITH MILD OCULAR ABNORMALITIES. Identifiers: Orphanet 1475, MedGen C1852759, MONDO:0007352, OMIM 120330.

Submission:

Labcorp Genetics (formerly Invitae), Labcorp
Classification: Pathogenic for Renal coloboma syndrome; Focal segmental glomerulosclerosis 7. Last evaluated: 2025-03-22. Review status: criteria provided, single submitter. Criteria: Invitae Variant Classification Sherloc (09022015). Collection method: clinical testing. Allele origin: germline.
Comment: This sequence change creates a premature translational stop signal (p.Leu270Glnfs*3) in the PAX2 gene. It is expected to result in an absent or disrupted protein product. Loss-of-function variants in PAX2 are known to be pathogenic (PMID: 11461952, 24676634, 35444690). This variant is not present in population databases (gnomAD no frequency). This variant has not been reported in the literature in individuals affected with PAX2-related conditions. For these reasons, this variant has been classified as Pathogenic.

Literature cited by the submitters: PubMed 11461952; PubMed 24676634; PubMed 35444690.